The following is an entry in ClinVar:

NM_001032283.3(TMPO):c.565+1069G>A

Gene: TMPO (thymopoietin; plus strand). Cytogenetic location: 12q23.1.
Variant type: single nucleotide variant.
Coding change: c.565+1069G>A on transcript NM_001032283.3 (MANE Select); 1069 bases into the intron after coding-DNA position 565, G replaced by A.
Molecular consequence: intron variant. On other transcripts: missense variant (1).
Genome position (GRCh38, 1-based): chr12:98,532,907, G>A. VCF-style: chr12-98532907-G-A. GRCh37 (hg19) VCF-style: chr12-98926685-G-A.
Other names: c.565+1069G>A (NM_001032284.3, NM_001307975.2); c.650G>A, p.Gly217Glu (NM_003276.2); short protein forms G217E.
Identifiers: ClinVar variation 2725372 (VCV002725372.4), dbSNP rs1319309709, ClinGen allele CA386151519.

ClinVar aggregate classification (germline): Uncertain significance. Review status: criteria provided, multiple submitters, no conflicts (2 of 4 stars). 2 submissions from 2 submitters: Uncertain significance (2). Last evaluated 2025-03-30.

Conditions:
Loeys-Dietz syndrome 2 (LDS2). Also called: TGFBR2-Related Loeys-Dietz Syndrome; Marfan syndrome, type 2 (formerly); AORTIC ANEURYSM, FAMILIAL THORACIC 3; MARFAN SYNDROME, TYPE II; Marfan Syndrome type 2; Marfan like connective tissue disorder. Identifiers: Orphanet 284973, Orphanet 558, MedGen C2674574, MONDO:0012427, OMIM 610168.

Allele frequency attached by ClinVar (database versions not stated): gnomAD exomes below 0.00001; gnomAD 0.00002; TOPMed 0.00003.
gnomAD v4.1: 5 of 1,613,960 alleles (0.00031%); highest among the groups gnomAD compares: Admixed American, 0.0033%; no homozygotes.

Submissions (2):

Labcorp Genetics (formerly Invitae), Labcorp
Classification: Uncertain significance for Loeys-Dietz syndrome 2. Last evaluated: 2025-03-30. Review status: criteria provided, single submitter. Criteria: Invitae Variant Classification Sherloc (09022015). Collection method: clinical testing. Allele origin: germline.
Comment: This sequence change replaces glycine, which is neutral and non-polar, with glutamic acid, which is acidic and polar, at codon 217 of the TMPO protein (p.Gly217Glu). This variant is present in population databases (no rsID available, gnomAD 0.003%). This variant has not been reported in the literature in individuals affected with TMPO-related conditions. ClinVar contains an entry for this variant (Variation ID: 2725372). Invitae Evidence Modeling of protein sequence and biophysical properties (such as structural, functional, and spatial information, amino acid conservation, physicochemical variation, residue mobility, and thermodynamic stability) indicates that this missense variant is not expected to disrupt TMPO protein function with a negative predictive value of 80%. In summary, the available evidence is currently insufficient to determine the role of this variant in disease. Therefore, it has been classified as a Variant of Uncertain Significance.

Ambry Genetics
Classification: Uncertain significance. Last evaluated: 2024-07-06. Review status: criteria provided, single submitter. Criteria: Ambry Variant Classification Scheme 2023. Collection method: clinical testing. Allele origin: germline.